The following is an entry in ClinVar:

ClinVar aggregate classification (germline): Uncertain significance. Review status: criteria provided, multiple submitters, no conflicts (2 of 4 stars). 2 submissions from 2 submitters: Uncertain significance (2). Last evaluated 2024-04-30.

Conditions:
Retinitis pigmentosa (RP). Identifiers: Orphanet 791, MedGen C0035334, MeSH D012174, MONDO:0019200, OMIM 268000. Inheritance: Autosomal dominant, autosomal recessive and X linked inheritance.

Allele frequency attached by ClinVar (database versions not stated): gnomAD below 0.00001 and 0.00001; TOPMed below 0.00001; gnomAD exomes 0.00001 and 0.00002; ExAC 0.00003.
gnomAD v4.1: 12 of 1,614,046 alleles (0.00074%); highest among the groups gnomAD compares: East Asian, 0.018%; no homozygotes.

Submissions (2):

Labcorp Genetics (formerly Invitae), Labcorp
Classification: Uncertain significance. Last evaluated: 2024-04-30. Review status: criteria provided, single submitter. Criteria: Invitae Variant Classification Sherloc (09022015). Collection method: clinical testing. Allele origin: germline.
Comment: This sequence change replaces arginine, which is basic and polar, with isoleucine, which is neutral and non-polar, at codon 1862 of the RP1 protein (p.Arg1862Ile). This variant is present in population databases (rs777277564, gnomAD 0.03%). This variant has not been reported in the literature in individuals affected with RP1-related conditions. ClinVar contains an entry for this variant (Variation ID: 911067). An algorithm developed to predict the effect of missense changes on protein structure and function (PolyPhen-2) suggests that this variant is likely to be tolerated. In summary, the available evidence is currently insufficient to determine the role of this variant in disease. Therefore, it has been classified as a Variant of Uncertain Significance.

Illumina Laboratory Services, Illumina
Classification: Uncertain significance for Retinitis pigmentosa. Last evaluated: 2018-01-13. Review status: criteria provided, single submitter. Criteria: ICSL Variant Classification Criteria 13 December 2019. Collection method: clinical testing. Allele origin: germline.

NM_006269.2(RP1):c.5585G>T (p.Arg1862Ile)

Genes: RP1 (RP1 axonemal microtubule associated; plus strand), LOC126860392 (CDK7 strongly-dependent group 2 enhancer GRCh37_chr8:55541319-55542518; plus strand). Cytogenetic location: 8q12.1.
Variant type: single nucleotide variant.
Coding change: c.5585G>T on transcript NM_006269.2 (MANE Select); coding-DNA position 5585, G replaced by T.
Protein change: p.Arg1862Ile; replaces arginine 1862 with isoleucine.
Molecular consequence: missense variant. On other transcripts: intron variant (1).
Genome position (GRCh38, 1-based): chr8:54,629,467, G>T. VCF-style: chr8-54629467-G-T. GRCh37 (hg19) VCF-style: chr8-55542027-G-T.
Other names: c.787+7179G>T (NM_001375654.1); short protein forms R1862I.
Identifiers: ClinVar variation 911067 (VCV000911067.7), dbSNP rs777277564, ClinGen allele CA4752095.
Genomic context (GRCh38, chr8:54,629,467, plus strand): 5'-GTGCCAAGGAAAGAATAGCAAATCATCATACAGAGGAGAAGGGTAGTCATCAGTCAGAAA[G>T]AGTATGCACATCTGTCACTCATTCCTTTATTTCTGCTGGTAACAAAGTCTACCCTGTCTC-3'
Protein context (NP_006260.1, residues 1852-1872): TEEKGSHQSE[Arg1862Ile]VCTSVTHSFI